The following is an entry in ClinVar:

NM_012401.4(PLXNB2):c.2182-4C>T

Gene: PLXNB2 (plexin B2; minus strand). Cytogenetic location: 22q13.33.
Variant type: single nucleotide variant.
Coding change: c.2182-4C>T on transcript NM_012401.4 (MANE Select); 4 bases into the intron before coding-DNA position 2182, C replaced by T.
Molecular consequence: intron variant.
Genome position (GRCh38, 1-based): chr22:50,284,217, G>A on the plus strand (C>T on the coding strand, the complement: PLXNB2 is on the minus strand). VCF-style: chr22-50284217-G-A. GRCh37 (hg19) VCF-style: chr22-50722646-G-A.
Other names: c.2182-4C>T (NM_001376870.1, NM_001376864.1, NM_001376876.1 and 18 more transcripts); c.2089-4C>T (NM_001376886.1); c.2251-4C>T (NM_001376865.1).
Identifiers: ClinVar variation 2653378 (VCV002653378.24), dbSNP rs200806827, ClinGen allele CA10312852.

ClinVar aggregate classification (germline): Likely benign (1 of 4 stars; one submission).

Allele frequency attached by ClinVar (database versions not stated): 1000 Genomes Project 0.00080; 1000 Genomes Project 30x 0.00094; TOPMed 0.00369; gnomAD 0.00397; ExAC 0.00431; ESP Exome Variant Server 0.00512; gnomAD exomes 0.00576.
gnomAD v4.1: 9,013 of 1,612,624 alleles (0.56%); highest among the groups gnomAD compares: Non-Finnish European, 0.63%; 51 homozygotes.

Submission:

CeGaT Center for Human Genetics Tuebingen
Classification: Likely benign. Last evaluated: 2026-04-01. Review status: criteria provided, single submitter. Criteria: CeGaT Center For Human Genetics Tuebingen Variant Classification Criteria Version 2. Collection method: clinical testing. Allele origin: germline. Affected: yes. Observed: 10 variant alleles.
Comment: PLXNB2: BP4, BS2